The following is an entry in ClinVar:

NM_000077.5(CDKN2A):c.224C>T (p.Pro75Leu)

Gene: CDKN2A (cyclin dependent kinase inhibitor 2A; minus strand). Cytogenetic location: 9p21.3.
Variant type: single nucleotide variant.
Coding change: c.224C>T on transcript NM_000077.5; coding-DNA position 224, C replaced by T.
Protein change: p.Pro75Leu; replaces proline 75 with leucine.
Molecular consequence: missense variant (on NM_000077.6). On other transcripts: synonymous variant (1), 3 prime UTR variant (1).
Genome position (GRCh38, 1-based): chr9:21,971,135, G>A on the plus strand (C>T on the coding strand, the complement: CDKN2A is on the minus strand). VCF-style: chr9-21971135-G-A. GRCh37 (hg19) VCF-style: chr9-21971134-G-A.
Other names: c.224C>T, p.Pro75Leu (NM_000077.6, NM_001195132.2); c.71C>T, p.Pro24Leu (NM_001363763.2); c.267C>T, p.Pro89= (NM_058195.4); c.*147C>T (NM_058197.5); short protein forms P75L, P24L.
Identifiers: ClinVar variation 483326 (VCV000483326.21), dbSNP rs772411700, ClinGen allele CA5012201.

ClinVar aggregate classification (germline): Uncertain significance. Review status: criteria provided, multiple submitters, no conflicts (2 of 4 stars). 4 submissions from 4 submitters: Uncertain significance (4). Last evaluated 2025-03-05.

Conditions:
Familial melanoma. Also called: Hereditary melanoma; Hereditary cutaneous melanoma. Identifiers: Orphanet 618, MedGen C1512419, MONDO:0018961.
Hereditary cancer-predisposing syndrome. Also called: Tumor predisposition; Hereditary Cancer Syndrome; Neoplastic Syndromes, Hereditary; Hereditary neoplastic syndrome. Identifiers: Orphanet 140162, MedGen C0027672, MeSH D009386, MONDO:0015356.

Allele frequency attached by ClinVar (database versions not stated): gnomAD exomes below 0.00001 and 0.00001; ExAC 0.00001; gnomAD 0.00001; TOPMed 0.00001.
gnomAD v4.1: 9 of 1,596,408 alleles (0.00056%); highest among the groups gnomAD compares: Admixed American, 0.012%; 1 homozygote.

Submissions (4):

Ambry Genetics
Classification: Uncertain significance for Hereditary cancer-predisposing syndrome. Last evaluated: 2025-03-05. Review status: criteria provided, single submitter. Criteria: Ambry Variant Classification Scheme 2023. Collection method: clinical testing. Allele origin: germline.
Comment: The p.P75L variant (also known as c.224C>T), located in coding exon 2 of the CDKN2A gene, results from a C to T substitution at nucleotide position 224. The proline at codon 75 is replaced by leucine, an amino acid with similar properties. This amino acid position is well conserved in available vertebrate species. In addition, the in silico prediction for this alteration is inconclusive. Of note, this alteration is also known as c.267C>T in the p14(ARF) isoform. Since supporting evidence is limited at this time, the clinical significance of this alteration remains unclear.

Center for Genomic Medicine, Rigshospitalet, Copenhagen University Hospital
Classification: Uncertain significance. Last evaluated: 2025-03-04. Review status: criteria provided, single submitter. Criteria: ACMG Guidelines, 2015. Collection method: clinical testing. Allele origin: germline.

Color Diagnostics, LLC DBA Color Health
Classification: Uncertain significance for Hereditary cancer-predisposing syndrome. Last evaluated: 2023-10-02. Review status: criteria provided, single submitter. Criteria: ACMG Guidelines, 2015. Collection method: clinical testing. Allele origin: germline.
Comment: This missense variant replaces proline with leucine at codon 75 of the CDKN2A (p16INK4A) protein. Computational prediction tool is inconclusive regarding the impact of this variant on protein structure and function (internally defined REVEL score threshold 0.5 < inconclusive < 0.7, PMID: 27666373). To our knowledge, functional studies have not been reported for this variant. This variant has not been reported in individuals affected with hereditary cancer in the literature. This variant has been identified in 1/215810 chromosomes in the general population by the Genome Aggregation Database (gnomAD). The available evidence is insufficient to determine the role of this variant in disease conclusively. Therefore, this variant is classified as a Variant of Uncertain Significance.

Labcorp Genetics (formerly Invitae), Labcorp
Classification: Uncertain significance for Familial melanoma. Last evaluated: 2023-09-13. Review status: criteria provided, single submitter. Criteria: Invitae Variant Classification Sherloc (09022015). Collection method: clinical testing. Allele origin: germline.
Comment: In summary, the available evidence is currently insufficient to determine the role of this variant in disease. Therefore, it has been classified as a Variant of Uncertain Significance. An algorithm developed to predict the effect of missense changes on protein structure and function (PolyPhen-2) suggests that this variant is likely to be disruptive. ClinVar contains an entry for this variant (Variation ID: 483326). This variant has not been reported in the literature in individuals affected with CDKN2A (p16INK4a)-related conditions. The frequency data for this variant in the population databases is considered unreliable, as metrics indicate poor data quality at this position in the gnomAD database. This sequence change replaces proline, which is neutral and non-polar, with leucine, which is neutral and non-polar, at codon 75 of the CDKN2A (p16INK4a) protein (p.Pro75Leu).

Literature cited by the submitters: PubMed 16354195 (cited by Ambry Genetics).